The following is an entry in ClinVar:

NM_182961.4(SYNE1):c.18525C>A (p.Ser6175Arg)

Gene: SYNE1 (spectrin repeat containing nuclear envelope protein 1; minus strand). Cytogenetic location: 6q25.2.
Variant type: single nucleotide variant.
Coding change: c.18525C>A on transcript NM_182961.4 (MANE Select); coding-DNA position 18525, C replaced by A.
Protein change: p.Ser6175Arg; replaces serine 6175 with arginine.
Molecular consequence: missense variant.
Genome position (GRCh38, 1-based): chr6:152,278,137, G>T on the plus strand (C>A on the coding strand, the complement: SYNE1 is on the minus strand). VCF-style: chr6-152278137-G-T. GRCh37 (hg19) VCF-style: chr6-152599272-G-T.
Other names: c.18312C>A, p.Ser6104Arg (NM_033071.5); short protein forms S6104R, S6175R.
Identifiers: ClinVar variation 3233832 (VCV003233832.2), dbSNP rs1310637066, ClinGen allele CA366094593.

ClinVar aggregate classification (germline): Uncertain significance (1 of 4 stars; one submission).

gnomAD v4.1: 4 of 1,614,042 alleles (0.00025%); highest among the groups gnomAD compares: South Asian, 0.0033%; no homozygotes.

Submission:

Women's Health and Genetics/Laboratory Corporation of America, LabCorp
Classification: Uncertain significance. Last evaluated: 2024-03-21. Review status: criteria provided, single submitter. Criteria: LabCorp Variant Classification Summary - May 2015. Collection method: clinical testing. Allele origin: germline.
Comment: Variant summary: SYNE1 c.18312C>A (p.Ser6104Arg) results in a non-conservative amino acid change located in the Spectrin/alpha-actinin repeat (IPR018159) of the encoded protein sequence. Four of five in-silico tools predict a damaging effect of the variant on protein function. The variant allele was found at a frequency of 4e-06 in 251060 control chromosomes. The available data on variant occurrences in the general population are insufficient to allow any conclusion about variant significance. To our knowledge, no occurrence of c.18312C>A in individuals affected with SYNE1-Related Disorders and no experimental evidence demonstrating its impact on protein function have been reported. No submitters have cited clinical-significance assessments for this variant to ClinVar. Based on the evidence outlined above, the variant was classified as uncertain significance.